The following is an entry in ClinVar:

ClinVar aggregate classification (germline): Likely pathogenic (1 of 4 stars; one submission).

Conditions:
3M syndrome 1. Also called: 3-M Syndrome, CUL7-Related. Identifiers: Orphanet 2616, MedGen C2678312, MONDO:0010117, OMIM 273750.

Submission:

Department of Medical Genetics, Sanjay Gandhi Post Graduate Institute of Medical Sciences
Classification: Likely pathogenic for 3M syndrome 1. Last evaluated: 2023-10-12. Review status: criteria provided, single submitter. Criteria: ACMG Guidelines, 2015. Collection method: research. Allele origin: inherited. Inheritance: Autosomal recessive inheritance. Affected: yes. Observed: 1 homozygote.
Comment: Variant summary: CUL7 c.3519_3538del (p.Cys1173X) a nonsense variant which is predicted to result in a premature stop codon at position 1173, and likely results in an absent or disrupted protein product (PVS1). Not observed at significant frequency in large population cohorts (gnomAD); Nonsense variant predicted to result in protein truncation or nonsense mediated decay in a gene for which loss-of-function is a known mechanism of disease. Recommended PM2 frequency threshold for gene: 0.05%. Functional Data not present yet. This variant meets criteria to be classified as likely pathogenic for 3M syndrome1 based on the ACMG/AMP criteria applied, as specified by the ClinGen CUL7: PVS1,PM2.

NM_014780.5(CUL7):c.3519_3538del (p.Cys1173_Gln1180delinsTer)

Gene: CUL7 (cullin 7; minus strand). Cytogenetic location: 6p21.1.
Variant type: Deletion.
Coding change: c.3519_3538del on transcript NM_014780.5 (MANE Select); coding-DNA positions 3519 to 3538, 20 bases deleted (TGAGCACTTTAATATTCTGC).
Protein change: p.Cys1173_Gln1180delinsTer.
Molecular consequence: nonsense.
Genome position (GRCh38, 1-based): chr6:43,042,909-43,042,928, GCAGAATATTAAAGTGCTCA deleted on the plus strand (TGAGCACTTTAATATTCTGC on the coding strand, the reverse complement: CUL7 is on the minus strand). VCF-style (leftmost placement, unchanged base first): chr6-43042908-TGCAGAATATTAAAGTGCTCA-T. GRCh37 (hg19) VCF-style: chr6-43010646-TGCAGAATATTAAAGTGCTCA-T.
Other names: c.3615_3634del, p.Cys1205_Gln1212delinsTer (NM_001168370.2, NM_001374872.1); c.3519_3538del, p.Cys1173_Gln1180delinsTer (NM_001374873.1); c.3516_3535del, p.Cys1172_Gln1179delinsTer (NM_001374874.1).
Identifiers: ClinVar variation 3341285 (VCV003341285.1).